The following is an entry in ClinVar:

ClinVar aggregate classification (germline): Uncertain significance (1 of 4 stars; one submission).

Submission:

Labcorp Genetics (formerly Invitae), Labcorp
Classification: Uncertain significance. Last evaluated: 2024-12-04. Review status: criteria provided, single submitter. Criteria: Invitae Variant Classification Sherloc (09022015). Collection method: clinical testing. Allele origin: germline.
Comment: This sequence change replaces isoleucine, which is neutral and non-polar, with leucine, which is neutral and non-polar, at codon 2853 of the VPS13A protein (p.Ile2853Leu). This variant is not present in population databases (gnomAD no frequency). This variant has not been reported in the literature in individuals affected with VPS13A-related conditions. An algorithm developed to predict the effect of missense changes on protein structure and function (PolyPhen-2) suggests that this variant is likely to be tolerated. In summary, the available evidence is currently insufficient to determine the role of this variant in disease. Therefore, it has been classified as a Variant of Uncertain Significance.

NM_033305.3(VPS13A):c.8557A>C (p.Ile2853Leu)

Gene: VPS13A (vacuolar protein sorting 13 homolog A; plus strand). Cytogenetic location: 9q21.2.
Variant type: single nucleotide variant.
Coding change: c.8557A>C on transcript NM_033305.3 (MANE Select); coding-DNA position 8557, A replaced by C.
Protein change: p.Ile2853Leu; replaces isoleucine 2853 with leucine.
Molecular consequence: missense variant.
Genome position (GRCh38, 1-based): chr9:77,369,302, A>C. VCF-style: chr9-77369302-A-C. GRCh37 (hg19) VCF-style: chr9-79984218-A-C.
Other names: c.8440A>C, p.Ile2814Leu (NM_001018037.2); c.8557A>C, p.Ile2853Leu (NM_001018038.3, NM_015186.4); short protein forms I2814L, I2853L.
Identifiers: ClinVar variation 3665515 (VCV003665515.2).
Genomic context (GRCh38, chr9:77,369,302, plus strand): 5'-ATAAGAAAAAATAGATCTAATTATCTGAATTGATTAATGTTCATATTTTATTTTTAGGCC[A>C]TTAAGCAGATGTATGTACTCATTCTTGGACTTGATGTTTTGGGAAATCCATTTGGCTTAA-3'
Protein context (NP_150648.2, residues 2843-2863): EVIRHYSKQA[Ile2853Leu]KQMYVLILGL